The following is an entry in ClinVar:

ClinVar aggregate classification (germline): Uncertain significance (1 of 4 stars; one submission).

Submission:

Labcorp Genetics (formerly Invitae), Labcorp
Classification: Uncertain significance. Last evaluated: 2022-12-31. Review status: criteria provided, single submitter. Criteria: Invitae Variant Classification Sherloc (09022015). Collection method: clinical testing. Allele origin: germline.
Comment: In summary, the available evidence is currently insufficient to determine the role of this variant in disease. Therefore, it has been classified as a Variant of Uncertain Significance. Experimental studies and prediction algorithms are not available or were not evaluated, and the functional significance of this variant is currently unknown. This variant has not been reported in the literature in individuals affected with SEC63-related conditions. This variant is not present in population databases (gnomAD no frequency). This variant, c.1613_1627del, results in the deletion of 5 amino acid(s) of the SEC63 protein (p.Pro538_Pro542del), but otherwise preserves the integrity of the reading frame.

NM_007214.5(SEC63):c.1613_1627del (p.Pro538_Pro542del)

Gene: SEC63 (SEC63 protein translocation regulator; minus strand). Cytogenetic location: 6q21.
Variant type: Deletion.
Coding change: c.1613_1627del on transcript NM_007214.5 (MANE Select); coding-DNA positions 1613 to 1627, 15 bases deleted (CTGTGCTATTACCAC).
Protein change: p.Pro538_Pro542del.
Molecular consequence: inframe deletion.
Genome position (GRCh38, 1-based): chr6:107,893,529-107,893,543, GTGGTAATAGCACAG deleted on the plus strand (CTGTGCTATTACCAC on the coding strand, the reverse complement: SEC63 is on the minus strand); deleting any 15 consecutive bases within chr6:107,893,529-107,893,546 gives the same sequence; the c. name uses the placement nearest the transcript's 3' end. VCF-style (leftmost placement, unchanged base first): chr6-107893528-TGTGGTAATAGCACAG-T. GRCh37 (hg19) VCF-style: chr6-108214732-TGTGGTAATAGCACAG-T.
Identifiers: ClinVar variation 2823057 (VCV002823057.3), dbSNP rs2482029167, ClinGen allele CA2679887074.